The following is an entry in ClinVar:

ClinVar aggregate classification (germline): Uncertain significance (1 of 4 stars; one submission).

Conditions:
Inborn genetic diseases. Identifiers: MedGen C0950123, MeSH D030342.

Submission:

Ambry Genetics
Classification: Uncertain significance for Inborn genetic diseases. Last evaluated: 2017-08-25. Review status: criteria provided, single submitter. Criteria: Ambry Variant Classification Scheme 2023. Collection method: clinical testing. Allele origin: germline.
Comment: The p.A236T variant (also known as c.706G>A), located in coding exon 4 of the FOLR1 gene, results from a G to A substitution at nucleotide position 706. The alanine at codon 236 is replaced by threonine, an amino acid with similar properties. This amino acid position is well conserved in available vertebrate species. In addition, this alteration is predicted to be tolerated by in silico analysis. Since supporting evidence is limited at this time, the clinical significance of this alteration remains unclear.

NM_016729.3(FOLR1):c.706G>A (p.Ala236Thr)

Genes: FOLR1 (folate receptor alpha; plus strand), FOLR1-AS1 (FOLR1 antisense RNA 1; minus strand). Cytogenetic location: 11q13.4.
Variant type: single nucleotide variant.
Coding change: c.706G>A on transcript NM_016729.3 (MANE Select); coding-DNA position 706, G replaced by A.
Protein change: p.Ala236Thr; replaces alanine 236 with threonine.
Molecular consequence: missense variant.
Genome position (GRCh38, 1-based): chr11:72,196,109, G>A. VCF-style: chr11-72196109-G-A. GRCh37 (hg19) VCF-style: chr11-71907153-G-A.
Other names: c.706G>A, p.Ala236Thr (NM_000802.3, NM_016724.3, NM_016725.3 and 1 more transcripts); short protein forms A236T.
Identifiers: ClinVar variation 1756993 (VCV001756993.2), dbSNP rs2539133418, ClinGen allele CA381735197.